The following is an entry in ClinVar:

NC_000005.9:g.(?_218471)_(1895829_?)del

Genes: CLPTM1L (CLPTM1 like), SLC6A3 (solute carrier family 6 member 3), EXOC3-AS1 (EXOC3 antisense RNA 1; minus strand), SLC12A7 (solute carrier family 12 member 7; minus strand), NDUFS6 (NADH:ubiquinone oxidoreductase subunit S6; plus strand) and 18 more. Cytogenetic location: 5p15.33.
Variant type: Deletion.
Identifiers: ClinVar variation 1459245 (VCV001459245.37).

ClinVar aggregate classification (germline): Pathogenic (1 of 4 stars; one submission).

Conditions:
Parkinsonism-dystonia, infantile. Identifiers: Orphanet 238455, MedGen C2751067, MONDO:0013150.

Submission:

Labcorp Genetics (formerly Invitae), Labcorp
Classification: Pathogenic for Parkinsonism-dystonia, infantile. Last evaluated: 2022-10-02. Review status: criteria provided, single submitter. Criteria: Invitae Variant Classification Sherloc (09022015). Collection method: clinical testing. Allele origin: germline.
Comment: A gross deletion of the genomic region encompassing the full coding sequence of the SLC6A3 gene has been identified. Loss-of-function variants in SLC6A3 are known to be pathogenic (PMID: 21112253). The boundaries of this event are unknown as they extend beyond the assayed region for this gene and therefore may encompass additional genes. This variant has not been reported in the literature in individuals affected with SLC6A3-related conditions. For these reasons, this variant has been classified as Pathogenic.

Literature cited by the submitters: PubMed 21112253.